The following is an entry in ClinVar:

ClinVar aggregate classification (germline): Uncertain significance (1 of 4 stars; one submission).

Conditions:
Dilated cardiomyopathy 1P (CMD1P). Identifiers: Orphanet 154, MedGen C1835928, MONDO:0012362, OMIM 609909.

Submission:

Labcorp Genetics (formerly Invitae), Labcorp
Classification: Uncertain significance for Dilated cardiomyopathy 1P. Last evaluated: 2021-08-18. Review status: criteria provided, single submitter. Criteria: Invitae Variant Classification Sherloc (09022015). Collection method: clinical testing. Allele origin: germline.
Comment: This variant has not been reported in the literature in individuals affected with PLN-related conditions. Algorithms developed to predict the effect of missense changes on protein structure and function are either unavailable or do not agree on the potential impact of this missense change (SIFT: "Deleterious"; PolyPhen-2: "Benign"; Align-GVGD: "Class C0"). In summary, the available evidence is currently insufficient to determine the role of this variant in disease. Therefore, it has been classified as a Variant of Uncertain Significance. This variant is not present in population databases (ExAC no frequency). This sequence change replaces lysine with glutamic acid at codon 27 of the PLN protein (p.Lys27Glu). The lysine residue is weakly conserved and there is a small physicochemical difference between lysine and glutamic acid.

NM_002667.5(PLN):c.79A>G (p.Lys27Glu)

Genes: CEP85L (centrosomal protein 85L; minus strand), PLN (phospholamban; plus strand). Cytogenetic location: 6q22.31.
Variant type: single nucleotide variant.
Coding change: c.79A>G on transcript NM_002667.5 (MANE Select); coding-DNA position 79, A replaced by G.
Protein change: p.Lys27Glu; replaces lysine 27 with glutamic acid.
Molecular consequence: missense variant. On other transcripts: intron variant (3).
Genome position (GRCh38, 1-based): chr6:118,559,000, A>G. VCF-style: chr6-118559000-A-G. GRCh37 (hg19) VCF-style: chr6-118880163-A-G.
Other names: c.1029+6529T>C (NM_001178035.2); c.1020+6529T>C (NM_001042475.3, NM_206921.3); short protein forms K27E.
Identifiers: ClinVar variation 1346972 (VCV001346972.6), dbSNP rs2114969956, ClinGen allele CA365546331.